The following is an entry in ClinVar:

NM_001374736.1(DST):c.20825T>C (p.Leu6942Pro)

Gene: DST (dystonin; minus strand). Cytogenetic location: 6p12.1.
Variant type: single nucleotide variant.
Coding change: c.20825T>C on transcript NM_001374736.1 (MANE Select); coding-DNA position 20825, T replaced by C.
Protein change: p.Leu6942Pro; replaces leucine 6942 with proline.
Molecular consequence: missense variant.
Genome position (GRCh38, 1-based): chr6:56,489,542, A>G on the plus strand (T>C on the coding strand, the complement: DST is on the minus strand). VCF-style: chr6-56489542-A-G. GRCh37 (hg19) VCF-style: chr6-56354340-A-G.
Other names: c.14468T>C, p.Leu4823Pro (NM_001144769.5); c.14054T>C, p.Leu4685Pro (NM_001144770.2); c.20825T>C, p.Leu6942Pro (NM_001374722.1); c.19865T>C, p.Leu6622Pro (NM_001374729.1); c.13607T>C, p.Leu4536Pro (NM_001374730.1); c.20852T>C, p.Leu6951Pro (NM_001374734.1); c.13934T>C, p.Leu4645Pro (NM_001386100.1, NM_183380.4); c.12956T>C, p.Leu4319Pro (NM_015548.5); short protein forms L4536P, L4685P, L4823P, L4319P, L4645P, L6622P, L6942P, L6951P.
Identifiers: ClinVar variation 1387827 (VCV001387827.6), dbSNP rs576793883, ClinGen allele CA364514971.

ClinVar aggregate classification (germline): Uncertain significance (1 of 4 stars; one submission).

Conditions:
Hereditary sensory and autonomic neuropathy type 6. Also called: HSAN VI; Neuropathy, hereditary sensory and autonomic, type VI. Identifiers: Orphanet 314381, MedGen C3539003, MONDO:0013839, OMIM 614653.
Epidermolysis bullosa simplex 3, localized or generalized intermediate, with BP230 deficiency (EBS3). Also called: Epidermolysis bullosa simplex due to BP230 deficiency; Epidermolysis bullosa simplex, autosomal recessive 2. Identifiers: Orphanet 412181, MedGen C3809470, MONDO:0014180, OMIM 615425.

gnomAD v4.1: 1 of 1,613,230 alleles (0.000062%); highest among the groups gnomAD compares: Non-Finnish European, 0.000085%; no homozygotes.

Submission:

Labcorp Genetics (formerly Invitae), Labcorp
Classification: Uncertain significance for Epidermolysis bullosa simplex 3, localized or generalized intermediate, with BP230 deficiency; Hereditary sensory and autonomic neuropathy type 6. Last evaluated: 2022-04-18. Review status: criteria provided, single submitter. Criteria: Invitae Variant Classification Sherloc (09022015). Collection method: clinical testing. Allele origin: germline.
Comment: In summary, the available evidence is currently insufficient to determine the role of this variant in disease. Therefore, it has been classified as a Variant of Uncertain Significance. Experimental studies and prediction algorithms are not available or were not evaluated, and the functional significance of this variant is currently unknown. This variant has not been reported in the literature in individuals affected with DST-related conditions. This variant is not present in population databases (gnomAD no frequency). This sequence change replaces leucine, which is neutral and non-polar, with proline, which is neutral and non-polar, at codon 4319 of the DST protein (p.Leu4319Pro). The DST gene has multiple clinically relevant transcripts. This variant occurs in alternate transcript NM_015548.4, and corresponds to NM_001723.5:c.*125975T>C in the primary transcript.